The following is an entry in ClinVar:

ClinVar aggregate classification (germline): Likely benign. Review status: criteria provided, multiple submitters, no conflicts (2 of 4 stars). 2 submissions from 2 submitters: Likely benign (2). Last evaluated 2024-02-01.

Allele frequency attached by ClinVar (database versions not stated): ExAC 0.00002.
gnomAD v4.1: 4 of 1,613,330 alleles (0.00025%); highest among the groups gnomAD compares: South Asian, 0.0022%; no homozygotes.

Submissions (2):

CeGaT Center for Human Genetics Tuebingen
Classification: Likely benign. Last evaluated: 2024-02-01. Review status: criteria provided, single submitter. Criteria: CeGaT Center For Human Genetics Tuebingen Variant Classification Criteria Version 2. Collection method: clinical testing. Allele origin: germline. Affected: yes. Observed: 1 variant allele.
Comment: TRRAP: BP4, BP7

Labcorp Genetics (formerly Invitae), Labcorp
Classification: Likely benign. Last evaluated: 2023-11-01. Review status: criteria provided, single submitter. Criteria: Invitae Variant Classification Sherloc (09022015). Collection method: clinical testing. Allele origin: germline.

NM_001375524.1(TRRAP):c.5121G>C (p.Leu1707=)

Genes: TRRAP (transformation/transcription domain associated protein; plus strand), LOC126860121 (MED14-independent group 3 enhancer GRCh37_chr7:98547245-98548444; plus strand). Cytogenetic location: 7q22.1.
Variant type: single nucleotide variant.
Coding change: c.5121G>C on transcript NM_001375524.1 (MANE Select); coding-DNA position 5121, G replaced by C.
Protein change: p.Leu1707=; no amino-acid change (leucine 1707 retained).
Molecular consequence: synonymous variant.
Genome position (GRCh38, 1-based): chr7:98,949,827, G>C. VCF-style: chr7-98949827-G-C. GRCh37 (hg19) VCF-style: chr7-98547450-G-C.
Other names: c.5100G>C, p.Leu1700= (NM_001244580.2); c.5046G>C, p.Leu1682= (NM_003496.4).
Identifiers: ClinVar variation 2749587 (VCV002749587.25), dbSNP rs782512732, ClinGen allele CA4360475.